The following is an entry in ClinVar:

NM_001369369.1(FOXN1):c.1086dup (p.Trp363fs)

Gene: FOXN1 (forkhead box N1; plus strand). Cytogenetic location: 17q11.2.
Variant type: Duplication.
Coding change: c.1086dup on transcript NM_001369369.1 (MANE Select); coding-DNA position 1086, one base duplicated (A; older notation c.1086dupA).
Protein change: p.Trp363fs; shifts the reading frame from tryptophan 363.
Molecular consequence: frameshift variant.
Genome position (GRCh38, 1-based): chr17:28,534,489, A duplicated; the last of 5 consecutive A bases (chr17:28,534,485-28,534,489); duplicating any one gives the same sequence. VCF-style (leftmost placement, unchanged base first): chr17-28534484-C-CA. GRCh37 (hg19) VCF-style: chr17-26861502-C-CA.
Other names: c.1086dupA (NM_003593.2); c.1086dup, p.Trp363fs (NM_003593.3); short protein forms W363fs.
Identifiers: ClinVar variation 639621 (VCV000639621.9), dbSNP rs1597566699, ClinGen allele CA915949638.

ClinVar aggregate classification (germline): Pathogenic. Review status: criteria provided, multiple submitters, no conflicts (2 of 4 stars). 2 submissions from 2 submitters: Pathogenic (2). Last evaluated 2024-07-13.

Conditions:
T-cell immunodeficiency, congenital alopecia, and nail dystrophy. Also called: Congenital alopecia and nail dystrophy associated with severe functional T-cell immunodeficiency; Pignata Guarino syndrome. Identifiers: Orphanet 169095, MedGen C1866426, MONDO:0011132, OMIM 601705.
T-cell lymphopenia, infantile, with or without nail dystrophy, autosomal dominant. Identifiers: Orphanet 676039, MedGen C5394133, MONDO:0032928, OMIM 618806.

Submissions (2):

Labcorp Genetics (formerly Invitae), Labcorp
Classification: Pathogenic for T-cell immunodeficiency, congenital alopecia, and nail dystrophy. Last evaluated: 2024-07-13. Review status: criteria provided, single submitter. Criteria: Invitae Variant Classification Sherloc (09022015). Collection method: clinical testing. Allele origin: germline.
Comment: This sequence change creates a premature translational stop signal (p.Trp363Metfs*118) in the FOXN1 gene. It is expected to result in an absent or disrupted protein product. Loss-of-function variants in FOXN1 are known to be pathogenic (PMID: 10206641, 15180707, 31447097). This variant is not present in population databases (gnomAD no frequency). This premature translational stop signal has been observed in individual(s) with T cell lymphopenia (PMID: 31447097). ClinVar contains an entry for this variant (Variation ID: 639621). For these reasons, this variant has been classified as Pathogenic.

Fulgent Genetics
Classification: Pathogenic for T-cell immunodeficiency, congenital alopecia, and nail dystrophy; T-cell lymphopenia, infantile, with or without nail dystrophy, autosomal dominant. Last evaluated: 2024-05-17. Review status: criteria provided, single submitter. Criteria: ACMG Guidelines, 2015. Collection method: clinical testing. Allele origin: germline.

Literature cited by the submitters: PubMed 10206641 (cited by Labcorp Genetics (formerly Invitae), Labcorp); PubMed 15180707 (cited by Labcorp Genetics (formerly Invitae), Labcorp); PubMed 31447097 (cited by Labcorp Genetics (formerly Invitae), Labcorp).